The following is an entry in ClinVar:

ClinVar aggregate classification (germline): Benign (1 of 4 stars; one submission).

Conditions:
Hereditary spastic paraplegia 48. Also called: SPASTIC PARAPLEGIA 48, AUTOSOMAL RECESSIVE; Spastic paraplegia 48. Identifiers: Orphanet 306511, MedGen C3150901, MONDO:0013342, OMIM 613647.

Allele frequency attached by ClinVar (database versions not stated): gnomAD exomes 0.05600; gnomAD 0.30761 and 0.31879; TOPMed 0.33225; 1000 Genomes Project 0.33766; 1000 Genomes Project 30x 0.35290.
gnomAD v4.1: 46,592 of 152,414 alleles (31%); highest among the groups gnomAD compares: African/African-American, 77%; 13,502 homozygotes.

Submission:

Illumina Laboratory Services, Illumina
Classification: Benign for Hereditary spastic paraplegia 48. Last evaluated: 2017-04-27. Review status: criteria provided, single submitter. Criteria: ICSL Variant Classification Criteria 13 December 2019. Collection method: clinical testing. Allele origin: germline.
Comment: This variant was observed as part of a predisposition screen in an ostensibly healthy population. A literature search was performed for the gene, cDNA change, and amino acid change (where applicable). No publications were found based on this search. Allele frequency data from public databases was too high to be consistent with this variant causing disease. Therefore, this variant is classified as benign.

NM_014855.3(AP5Z1):c.*2623A>C

Gene: AP5Z1 (adaptor related protein complex 5 subunit zeta 1; plus strand). Cytogenetic location: 7p22.1.
Variant type: single nucleotide variant.
Coding change: c.*2623A>C on transcript NM_014855.3 (MANE Select); 2623 bases downstream of the stop codon, A replaced by C.
Molecular consequence: 3 prime UTR variant. On other transcripts: non-coding transcript variant (1).
Genome position (GRCh38, 1-based): chr7:4,794,008, A>C. VCF-style: chr7-4794008-A-C. GRCh37 (hg19) VCF-style: chr7-4833639-A-C.
Other names: c.*2623A>C (LRG_1247t1, NM_001364858.1).
Identifiers: ClinVar variation 360411 (VCV000360411.5), dbSNP rs2880933, ClinGen allele CA10629237.